The following is an entry in ClinVar:

NM_001303256.3(MORC2):c.2617G>C (p.Val873Leu)

Gene: MORC2 (MORC family CW-type zinc finger 2; minus strand). Cytogenetic location: 22q12.2.
Variant type: single nucleotide variant.
Coding change: c.2617G>C on transcript NM_001303256.3 (MANE Select); coding-DNA position 2617, G replaced by C.
Protein change: p.Val873Leu; replaces valine 873 with leucine.
Molecular consequence: missense variant.
Genome position (GRCh38, 1-based): chr22:30,932,675, C>G on the plus strand (G>C on the coding strand, the complement: MORC2 is on the minus strand). VCF-style: chr22-30932675-C-G. GRCh37 (hg19) VCF-style: chr22-31328662-C-G.
Other names: c.2617G>C, p.Val873Leu (NM_001303257.2); c.2431G>C, p.Val811Leu (NM_014941.3); short protein forms V811L, V873L.
Identifiers: ClinVar variation 1377835 (VCV001377835.6), dbSNP rs138350528, ClinGen allele CA411231943.

ClinVar aggregate classification (germline): Uncertain significance (1 of 4 stars; one submission).

Conditions:
Charcot-Marie-Tooth disease axonal type 2Z. Also called: CHARCOT-MARIE-TOOTH DISEASE, AXONAL, AUTOSOMAL DOMINANT, TYPE 2Z; CHARCOT-MARIE-TOOTH NEUROPATHY, TYPE 2Z. Identifiers: Orphanet 466768, MedGen C5569025, MONDO:0014736, OMIM 616688.

gnomAD v4.1: 2 of 1,613,992 alleles (0.00012%); highest among the groups gnomAD compares: East Asian, 0.0022%; no homozygotes.

Submission:

Labcorp Genetics (formerly Invitae), Labcorp
Classification: Uncertain significance for Charcot-Marie-Tooth disease axonal type 2Z. Last evaluated: 2022-06-20. Review status: criteria provided, single submitter. Criteria: Invitae Variant Classification Sherloc (09022015). Collection method: clinical testing. Allele origin: germline.
Comment: In summary, the available evidence is currently insufficient to determine the role of this variant in disease. Therefore, it has been classified as a Variant of Uncertain Significance. Advanced modeling of protein sequence and biophysical properties (such as structural, functional, and spatial information, amino acid conservation, physicochemical variation, residue mobility, and thermodynamic stability) performed at Invitae indicates that this missense variant is not expected to disrupt MORC2 protein function. This variant has not been reported in the literature in individuals affected with MORC2-related conditions. This variant is present in population databases (no rsID available, gnomAD 0.06%). This sequence change replaces valine with leucine at codon 873 of the MORC2 protein (p.Val873Leu). The valine residue is weakly conserved and there is a small physicochemical difference between valine and leucine.